The following is an entry in ClinVar:

NM_000593.6(TAP1):c.392T>C (p.Leu131Pro)

Gene: TAP1 (transporter 1, ATP binding cassette subfamily B member; minus strand). Cytogenetic location: 6p21.32.
Variant type: single nucleotide variant.
Coding change: c.392T>C on transcript NM_000593.6 (MANE Select); coding-DNA position 392, T replaced by C.
Protein change: p.Leu131Pro; replaces leucine 131 with proline.
Molecular consequence: missense variant.
Genome position (GRCh38, 1-based): chr6:32,853,245, A>G on the plus strand (T>C on the coding strand, the complement: TAP1 is on the minus strand). VCF-style: chr6-32853245-A-G. GRCh37 (hg19) VCF-style: chr6-32821022-A-G.
Other names: short protein forms L191P, L131P.
Identifiers: ClinVar variation 466388 (VCV000466388.14), dbSNP rs142907576, ClinGen allele CA3747027.

ClinVar aggregate classification (germline): Likely benign. Review status: criteria provided, multiple submitters, no conflicts (2 of 4 stars). 3 submissions from 3 submitters: Likely benign (3). Last evaluated 2026-02-12.

Conditions:
MHC class I deficiency. Identifiers: Orphanet 34592, MedGen C6024714, MONDO:0011476.

Allele frequency attached by ClinVar (database versions not stated): 1000 Genomes Project 0.00060; 1000 Genomes Project 30x 0.00062; gnomAD exomes 0.00111 and 0.00184; TOPMed 0.00123; gnomAD 0.00127 and 0.00128; ESP Exome Variant Server 0.00130; ExAC 0.00151.
gnomAD v4.1: 2,834 of 1,604,682 alleles (0.18%); highest among the groups gnomAD compares: Non-Finnish European, 0.23%; 4 homozygotes.

Submissions (3):

Women's Health and Genetics/Laboratory Corporation of America, LabCorp
Classification: Likely benign. Last evaluated: 2026-02-12. Review status: criteria provided, single submitter. Criteria: LabCorp Variant Classification Summary - May 2015. Collection method: clinical testing. Allele origin: germline.
Comment: Variant summary: TAP1 c.392T>C (p.Leu131Pro) results in a non-conservative amino acid change in the encoded protein sequence. Algorithms developed to predict the effect of missense changes on protein structure and function are either unavailable or do not agree on the potential impact of this missense change. The variant allele was found at a frequency of 0.0011 in 226930 control chromosomes, predominantly at a frequency of 0.0022 within the Non-Finnish European subpopulation in the gnomAD database. The observed variant frequency within Non-Finnish European control individuals in the gnomAD database exceeds the estimated maximal expected allele frequency for disease-causing variants in TAP1. To our knowledge, no occurrence of c.392T>C in individuals affected with TAP1-related conditions and no experimental evidence demonstrating its impact on protein function have been reported. ClinVar contains an entry for this variant (Variation ID: 466388). Based on the evidence outlined above, the variant was classified as likely benign.

Labcorp Genetics (formerly Invitae), Labcorp
Classification: Likely benign for MHC class I deficiency 1. Last evaluated: 2026-01-19. Review status: criteria provided, single submitter. Criteria: Invitae Variant Classification Sherloc (09022015). Collection method: clinical testing. Allele origin: germline.

Blueprint Genetics
Classification: Likely benign. Last evaluated: 2024-11-26. Review status: criteria provided, single submitter. Criteria: ACMG Guidelines, 2015. Collection method: clinical testing. Allele origin: germline.